The following is an entry in ClinVar:

ClinVar aggregate classification (germline): Conflicting classifications of pathogenicity. Review status: criteria provided, conflicting classifications (1 of 4 stars). 3 submissions from 3 submitters: Likely pathogenic (2); Uncertain significance (1). Last evaluated 2025-03-13.

Conditions:
Mitochondrial complex III deficiency nuclear type 5. Identifiers: MedGen C3554608, MONDO:0014066, OMIM 615160.

Submissions (3):

GeneDx
Classification: Likely pathogenic. Last evaluated: 2025-03-13. Review status: criteria provided, single submitter. Criteria: GeneDx Variant Classification Process June 2021. Collection method: clinical testing. Allele origin: germline. Affected: yes.
Comment: Not observed at significant frequency in large population cohorts (gnomAD); In silico analysis supports that this missense variant has a deleterious effect on protein structure/function; This variant is associated with the following publications: (PMID: 39053894, 36509339, 38703036)

Service de Génétique Médicale, Centre Hospitalier Universitaire de Nice-Université Côte d'Azur
Classification: Likely pathogenic for Mitochondrial complex III deficiency nuclear type 5. Last evaluated: 2024-02-27. Review status: criteria provided, single submitter. Criteria: ACMG Guidelines, 2015. Collection method: clinical testing. Allele origin: germline. Affected: yes.

Revvity Omics, Revvity
Classification: Uncertain significance for Mitochondrial complex III deficiency nuclear type 5. Last evaluated: 2023-01-06. Review status: criteria provided, single submitter. Criteria: ACMG Guidelines, 2015. Collection method: clinical testing. Allele origin: germline.

Literature cited by the submitters: PubMed 38703036 (cited by Service de Génétique Médicale, Centre Hospitalier Universitaire de Nice-Université Côte d'Azur).

NM_003366.4(UQCRC2):c.266T>C (p.Leu89Pro)

Genes: PDZD9 (PDZ domain containing 9), UQCRC2 (ubiquinol-cytochrome c reductase core protein 2). Cytogenetic location: 16p12.2.
Variant type: single nucleotide variant.
Coding change: c.266T>C on transcript NM_003366.4 (MANE Select); coding-DNA position 266, T replaced by C.
Protein change: p.Leu89Pro; replaces leucine 89 with proline.
Molecular consequence: missense variant.
Genome position (GRCh38, 1-based): chr16:21,957,565, T>C. VCF-style: chr16-21957565-T-C. GRCh37 (hg19) VCF-style: chr16-21968886-T-C.
Other names: short protein forms L89P.
Identifiers: ClinVar variation 1254725 (VCV001254725.7), dbSNP rs2141926322, ClinGen allele CA395248415.